The following is an entry in ClinVar:

NM_000222.3(KIT):c.2236T>C (p.Ser746Pro)

Gene: KIT (KIT proto-oncogene, receptor tyrosine kinase; plus strand). Cytogenetic location: 4q12.
Variant type: single nucleotide variant.
Coding change: c.2236T>C on transcript NM_000222.3 (MANE Select); coding-DNA position 2236, T replaced by C.
Protein change: p.Ser746Pro; replaces serine 746 with proline.
Molecular consequence: missense variant.
Genome position (GRCh38, 1-based): chr4:54,731,873, T>C. VCF-style: chr4-54731873-T-C. GRCh37 (hg19) VCF-style: chr4-55598039-T-C.
Other names: c.2224T>C, p.Ser742Pro (NM_001093772.2, NM_001385292.1); c.2239T>C, p.Ser747Pro (NM_001385284.1); c.2233T>C, p.Ser745Pro (NM_001385285.1); c.2221T>C, p.Ser741Pro (NM_001385286.1); c.2227T>C, p.Ser743Pro (NM_001385288.1); c.2236T>C, p.Ser746Pro (NM_001385290.1); short protein forms S742P, S741P, S745P, S747P, S743P, S746P.
Identifiers: ClinVar variation 1788200 (VCV001788200.2), dbSNP rs2109794869, ClinGen allele CA356910818.

ClinVar aggregate classification (germline): Uncertain significance (1 of 4 stars; one submission).

Conditions:
Hereditary cancer-predisposing syndrome. Also called: Neoplastic Syndromes, Hereditary; Tumor predisposition; Hereditary Cancer Syndrome; Hereditary neoplastic syndrome. Identifiers: Orphanet 140162, MedGen C0027672, MeSH D009386, MONDO:0015356.

Submission:

Ambry Genetics
Classification: Uncertain significance for Hereditary cancer-predisposing syndrome. Last evaluated: 2022-10-22. Review status: criteria provided, single submitter. Criteria: Ambry Variant Classification Scheme 2023. Collection method: clinical testing. Allele origin: germline.
Comment: The p.S746P variant (also known as c.2236T>C), located in coding exon 16 of the KIT gene, results from a T to C substitution at nucleotide position 2236. The serine at codon 746 is replaced by proline, an amino acid with similar properties. This amino acid position is conserved. In addition, this alteration is predicted to be tolerated by in silico analysis. Since supporting evidence is limited at this time, the clinical significance of this alteration remains unclear.